The following is an entry in ClinVar:

NM_000551.4(VHL):c.198_202del (p.Asn67fs)

Gene: VHL (von Hippel-Lindau tumor suppressor; plus strand). Cytogenetic location: 3p25.3.
Variant type: Deletion.
Coding change: c.198_202del on transcript NM_000551.4 (MANE Select); coding-DNA positions 198 to 202, 5 bases deleted (GAACT; older notation c.198_202delGAACT).
Protein change: p.Asn67fs; shifts the reading frame from asparagine 67.
Molecular consequence: frameshift variant. On other transcripts: non-coding transcript variant (1).
Genome position (GRCh38, 1-based): chr3:10,142,045-10,142,049, GAACT deleted; deleting any 5 consecutive bases within chr3:10,142,044-10,142,049 gives the same sequence; the c. name uses the placement nearest the transcript's 3' end. VCF-style (leftmost placement, unchanged base first): chr3-10142043-GTGAAC-G. GRCh37 (hg19) VCF-style: chr3-10183727-GTGAAC-G.
Other names: c.198_202del, p.Asn67fs (NM_001354723.2, NM_198156.3); short protein forms N67fs.
Identifiers: ClinVar variation 5031700 (VCV005031700.1).
Genomic context (GRCh38, chr3:10,142,043, plus strand): 5'-GAGGAACTGGGCGCCGAGGAGGAGATGGAGGCCGGGCGGCCGCGGCCCGTGCTGCGCTCG[GTGAAC>G]TCGCGCGAGCCCTCCCAGGTCATCTTCTGCAATCGCAGTCCGCGCGTCGTGCTGCCCGTA-3'

ClinVar aggregate classification (germline): Pathogenic (1 of 4 stars; one submission).

Conditions:
Hereditary cancer-predisposing syndrome. Also called: Neoplastic Syndromes, Hereditary; Tumor predisposition; Hereditary neoplastic syndrome; Hereditary Cancer Syndrome. Identifiers: Orphanet 140162, MedGen C0027672, MeSH D009386, MONDO:0015356.

Submission:

Ambry Genetics
Classification: Pathogenic for Hereditary cancer-predisposing syndrome. Last evaluated: 2026-07-27. Review status: criteria provided, single submitter. Criteria: Ambry Variant Classification Scheme 2023. Collection method: clinical testing. Allele origin: germline.
Comment: The c.198_202delGAACT pathogenic mutation, located in coding exon 1 of the VHL gene, results from a deletion of 5 nucleotides at nucleotide positions 198 to 202, causing a translational frameshift with a predicted alternate stop codon (p.N67Afs*63). This variant is considered to be rare based on population cohorts in the Genome Aggregation Database (gnomAD). This alteration is expected to result in loss of function by premature protein truncation or nonsense-mediated mRNA decay. As such, this alteration is interpreted as a disease-causing mutation.